The following is an entry in ClinVar:

ClinVar aggregate classification (germline): Uncertain significance (1 of 4 stars; one submission).

Conditions:
Hereditary cancer-predisposing syndrome. Also called: Hereditary Cancer Syndrome; Hereditary neoplastic syndrome; Neoplastic Syndromes, Hereditary; Tumor predisposition. Identifiers: Orphanet 140162, MedGen C0027672, MeSH D009386, MONDO:0015356.

Submission:

Ambry Genetics
Classification: Uncertain significance for Hereditary cancer-predisposing syndrome. Last evaluated: 2025-05-12. Review status: criteria provided, single submitter. Criteria: Ambry Variant Classification Scheme 2023. Collection method: clinical testing. Allele origin: germline.
Comment: The p.V878D variant (also known as c.2633T>A), located in coding exon 4 of the MSH6 gene, results from a T to A substitution at nucleotide position 2633. The valine at codon 878 is replaced by aspartic acid, an amino acid with highly dissimilar properties. This amino acid position is not well conserved in available vertebrate species. In addition, the in silico prediction for this alteration is inconclusive. Based on the available evidence, the clinical significance of this variant remains unclear.

NM_000179.3(MSH6):c.2633T>A (p.Val878Asp)

Gene: MSH6 (mutS homolog 6; plus strand). Cytogenetic location: 2p16.3.
Variant type: single nucleotide variant.
Coding change: c.2633T>A on transcript NM_000179.3 (MANE Select); coding-DNA position 2633, T replaced by A.
Protein change: p.Val878Asp; replaces valine 878 with aspartic acid.
Molecular consequence: missense variant. On other transcripts: non-coding transcript variant (5), intron variant (3).
Genome position (GRCh38, 1-based): chr2:47,800,616, T>A. VCF-style: chr2-47800616-T-A. GRCh37 (hg19) VCF-style: chr2-48027755-T-A.
Other names: c.2243T>A, p.Val748Asp (NM_001281492.2); c.1727T>A, p.Val576Asp (NM_001281493.2, NM_001281494.2, NM_001406811.1 and 6 more transcripts); c.2729T>A, p.Val910Asp (NM_001406795.1, NM_001406802.1); c.2633T>A, p.Val878Asp (NM_001406796.1, NM_001406798.1, NM_001406800.1 and 2 more transcripts); c.2336T>A, p.Val779Asp (NM_001406797.1, NM_001406801.1, NM_001406805.1 and 10 more transcripts); c.2108T>A, p.Val703Asp (NM_001406799.1, NM_001406806.1, NM_001406807.1); c.2555T>A, p.Val852Asp (NM_001406804.1); c.2639T>A, p.Val880Asp (NM_001406813.1); and 4 more; short protein forms V779D, V852D, V878D, V703D, V822D, V880D, V910D, V576D.
Identifiers: ClinVar variation 3913735 (VCV003913735.1).